The following is an entry in ClinVar:

NM_001042492.3(NF1):c.1319G>C (p.Arg440Pro)

Gene: NF1 (neurofibromin 1; plus strand). Cytogenetic location: 17q11.2.
Variant type: single nucleotide variant.
Coding change: c.1319G>C on transcript NM_001042492.3 (MANE Select); coding-DNA position 1319, G replaced by C.
Protein change: p.Arg440Pro; replaces arginine 440 with proline.
Molecular consequence: missense variant.
Genome position (GRCh38, 1-based): chr17:31,206,298, G>C. VCF-style: chr17-31206298-G-C. GRCh37 (hg19) VCF-style: chr17-29533316-G-C.
Other names: c.1319G>C, p.Arg440Pro (NM_000267.4, NM_001128147.3); short protein forms R440P.
Identifiers: ClinVar variation 1769851 (VCV001769851.4), dbSNP rs1466678870, ClinGen allele CA398999422.

ClinVar aggregate classification (germline): Conflicting classifications of pathogenicity. Review status: criteria provided, conflicting classifications (1 of 4 stars). 2 submissions from 2 submitters: Likely pathogenic (1); Uncertain significance (1). Last evaluated 2026-09-04.

Conditions:
Cardiovascular phenotype. Identifiers: MedGen CN230736.
Hereditary cancer-predisposing syndrome. Also called: Hereditary Cancer Syndrome; Hereditary neoplastic syndrome; Neoplastic Syndromes, Hereditary; Tumor predisposition. Identifiers: Orphanet 140162, MedGen C0027672, MeSH D009386, MONDO:0015356.
Neurofibromatosis, type 1 (NF1). Also called: VON RECKLINGHAUSEN DISEASE; Peripheral type neurofibromatosis; Neurofibromatosis, type I; NEUROFIBROMATOSIS, TYPE I, SOMATIC. Identifiers: Orphanet 636, MedGen C0027831, MONDO:0018975, OMIM 162200. Disease mechanism: loss of function.

Submissions (2):

Ambry Genetics
Classification: Uncertain significance for Cardiovascular phenotype; Hereditary cancer-predisposing syndrome. Last evaluated: 2026-09-04. Review status: criteria provided, single submitter. Criteria: Ambry Variant Classification Scheme 2023. Collection method: clinical testing. Allele origin: germline.
Comment: The p.R440P variant (also known as c.1319G>C), located in coding exon 12 of the NF1 gene, results from a G to C substitution at nucleotide position 1319. The arginine at codon 440 is replaced by proline, an amino acid with dissimilar properties. This variant was reported in individual(s) with features consistent with Neurofibromatosis type 1 (G&uuml;ne N et al. Ann Hum Genet, 2021 Sep;85:155-165). This amino acid position is highly conserved in available vertebrate species. In addition, this alteration is predicted to be deleterious by in silico analysis. Based on the available evidence, the clinical significance of this variant remains unclear.

Labcorp Genetics (formerly Invitae), Labcorp
Classification: Likely pathogenic for Neurofibromatosis, type 1. Last evaluated: 2025-10-14. Review status: criteria provided, single submitter. Criteria: Invitae Variant Classification Sherloc (09022015). Collection method: clinical testing. Allele origin: germline.
Comment: This sequence change replaces arginine, which is basic and polar, with proline, which is neutral and non-polar, at codon 440 of the NF1 protein (p.Arg440Pro). This variant is not present in population databases (gnomAD no frequency). This missense change has been observed in individual(s) with neurofibromatosis type 1 (PMID: 33877690). ClinVar contains an entry for this variant (Variation ID: 1769851). Invitae Evidence Modeling of protein sequence and biophysical properties (such as structural, functional, and spatial information, amino acid conservation, physicochemical variation, residue mobility, and thermodynamic stability) indicates that this missense variant is expected to disrupt NF1 protein function with a positive predictive value of 95%. In summary, the currently available evidence indicates that the variant is pathogenic, but additional data are needed to prove that conclusively. Therefore, this variant has been classified as Likely Pathogenic.

Literature cited by the submitters: PubMed 33877690 (cited by Ambry Genetics and Labcorp Genetics (formerly Invitae), Labcorp).